The following is an entry in ClinVar:

NM_000195.5(HPS1):c.663C>A (p.Tyr221Ter)

Gene: HPS1 (HPS1 biogenesis of lysosomal organelles complex 3 subunit 1; minus strand). Cytogenetic location: 10q24.2.
Variant type: single nucleotide variant.
Coding change: c.663C>A on transcript NM_000195.5 (MANE Select); coding-DNA position 663, C replaced by A.
Protein change: p.Tyr221Ter; replaces tyrosine 221 with a stop codon.
Molecular consequence: nonsense. On other transcripts: 5 prime UTR variant (3), intron variant (5).
Genome position (GRCh38, 1-based): chr10:98,431,136, G>T on the plus strand (C>A on the coding strand, the complement: HPS1 is on the minus strand). VCF-style: chr10-98431136-G-T. GRCh37 (hg19) VCF-style: chr10-100190893-G-T.
Other names: c.-211C>A (NM_001311345.2, NM_001322489.2); c.663C>A, p.Tyr221Ter (NM_001322476.2, NM_001322477.2, NM_001322478.2 and 3 more transcripts); c.294C>A, p.Tyr98Ter (NM_001322483.2, NM_001322484.2, NM_001322485.2); c.-310C>A (NM_001322487.2); c.408-466C>A (NM_001322480.2, NM_001322482.2, NM_001322481.2); c.551-466C>A (NM_001322492.2, NM_001322490.2); short protein forms Y221*, Y98*.
Identifiers: ClinVar variation 5013249 (VCV005013249.1).

ClinVar aggregate classification (germline): Pathogenic (1 of 4 stars; one submission).

Conditions:
Hermansky-Pudlak syndrome 1 (HPS1). Also called: DELTA STORAGE POOL DISEASE. Identifiers: Orphanet 231500, Orphanet 79430, MedGen C2931875, MONDO:0008748, OMIM 203300.

Submission:

Myriad Genetics, Inc.
Classification: Pathogenic for Hermansky-Pudlak syndrome 1. Last evaluated: 2024-06-28. Review status: criteria provided, single submitter. Criteria: Myriad Autosomal Dominant, Autosomal Recessive and X-Linked Classification Criteria (2023). Collection method: clinical testing. Allele origin: unknown.
Comment: NM_000195.3(HPS1):c.663C>A(Y221*) is expected to be pathogenic in the context of Hermansky-Pudlak syndrome, HPS1-related. This variant is predicted to lead to an abnormal or absent protein product due to the creation of a premature termination codon in HPS1, a gene where loss-of-function variants are known to be pathogenic. Please note: this variant was assessed in the context of healthy population screening.